The following continues an entry in ClinVar:

NM_000059.4(BRCA2):c.3680_3681del (p.Leu1227fs)

Gene: BRCA2. ClinVar aggregate classification (germline): Pathogenic. Pathogenic (1).

Submissions 9 to 20 of 27:

Genomics and Molecular Medicine Service, East Genomic Laboratory Hub, NHS Genomic Medicine Service
Classification: Pathogenic for Inherited breast cancer and ovarian cancer. Last evaluated: 2024-06-04. Review status: criteria provided, single submitter. Criteria: ACGS Best Practice Guidelines for Variant Classification in Rare Disease 2020. Collection method: clinical testing. Allele origin: germline. Affected: yes. Not counted in ClinVar's aggregate classification.
Comment: PVS1,PS4_Very Strong

Baylor Genetics
Classification: Pathogenic for Familial cancer of breast. Last evaluated: 2024-02-27. Review status: criteria provided, single submitter. Criteria: ACMG Guidelines, 2015. Collection method: clinical testing. Allele origin: unknown. Not counted in ClinVar's aggregate classification.

Dasa
Classification: Pathogenic for BRCA2-related disorder. Last evaluated: 2022-08-10. Review status: criteria provided, single submitter. Criteria: ACMG Guidelines, 2015. Collection method: clinical testing. Allele origin: germline. Observed: 1 variant allele. Not counted in ClinVar's aggregate classification.
Comment: The c.3680_3681del;p.(Leu1227Glnfs*5) is a null frameshift variant (NMD) in the BRCA2 gene and predicts alteration of the nonsense-mediate decay - NMD is present in a relevant exon to the transcript - PVS1.This sequence change has been observed in affected individual(s) and ClinVar contains an entry for this variant(ClinVar ID: 51504; PMID: 24013928; 11179017; 24916970; 24728189; 22762150; 2684510) - PS4. The variant is present at low allele frequencies population databases (rs80359395 – gnomAD 0.00006573%; ABraOM no frequency) -PM2_supporting. The variant co-segregated with disease in multiple affected family members (PMID: 24013928; 11179017; 24916970; 24728189; 22762150) -PP1. In summary, the currently available evidence indicates that the variant is pathogenic.

Sema4
Classification: Pathogenic for Hereditary cancer-predisposing syndrome. Last evaluated: 2021-12-07. Review status: criteria provided, single submitter. Criteria: Sema4 Curation Guidelines. Collection method: curation. Allele origin: germline. Not counted in ClinVar's aggregate classification.
Comment: The BRCA2 c.3680_3681delTG (p.L1227QfsX5) variant has been reported in heterozygosity in numerous individuals with breast and/or ovarian cancer (PMID: 11179017, 24013928, 24728189, 25186627, 29907814, 28993434) and colorectal cancer (PMID: 27356891). It has been reported in a large case-control study of breast cancer in 3/60466 cases, not in 53461 controls (PMID: 33471991). It is also known as 3908delTG in the literature. This variant causes a frameshift at amino acid 1227 that results in premature termination 5 amino acids downstream. At this location, nonsense-mediated decay is predicted to occur, resulting in a loss of gene function. Loss of function variants in BRCA1 or BRCA2 are known to be pathogenic (PMID: 29446198). This variant was observed in 1/8710 chromosomes in the African/African American population, according to the Genome Aggregation Database (PMID: 32461654). This variant has been reported in ClinVar (Variation ID: 51459). Based on the current evidence available, this variant is interpreted as pathogenic.

GeneDx
Classification: Pathogenic. Last evaluated: 2021-11-23. Review status: criteria provided, single submitter. Criteria: GeneDx Variant Classification Process June 2021. Collection method: clinical testing. Allele origin: germline. Affected: yes. Not counted in ClinVar's aggregate classification.
Comment: Frameshift variant predicted to result in protein truncation or nonsense mediated decay in a gene for which loss-of-function is a known mechanism of disease; Not observed at a significant frequency in large population cohorts (Lek 2016); Truncating variants in this gene are considered pathogenic by a well-established clinical consortium and/or database; Also known as 3908_3909delTG; This variant is associated with the following publications: (PMID: 11179017, 26845104, 24013928, 27356891, 26287763, 22762150, 24916970, 23315985, 20167696, 24728189, 28127413, 28152038, 29907814, 29470806, 25186627, 28993434, 30606148, 30159786, 30720243, 31263054, 33654310, 31589614, 32427313, 30787465, 33087929)

Laan Lab, Human Genetics Research Group, University of Tartu
Classification: Pathogenic for Breast-ovarian cancer, familial, susceptibility to, 2. Last evaluated: 2021-05-01. Review status: criteria provided, single submitter. Criteria: ACMG Guidelines, 2015. Collection method: research. Allele origin: unknown. Observed: 1 variant allele, 1 heterozygote. Not counted in ClinVar's aggregate classification.

Genetics and Molecular Pathology, SA Pathology
Classification: Pathogenic for Breast-ovarian cancer, familial, susceptibility to, 2. Last evaluated: 2021-01-20. Review status: criteria provided, single submitter. Criteria: ACMG Guidelines, 2015. Collection method: clinical testing. Allele origin: germline. Inheritance: Autosomal dominant inheritance. Affected: yes. Not counted in ClinVar's aggregate classification.
Comment: BRCA2:c.3680_3681delTG is classified as PATHOGENIC (ENIGMA criteria 2017) BRCA2:c.3680_3681delTG is a deletion of two consecutive nucleotides in exon 11 that predicts a frame-shift of the mature mRNA with consequent premature termination of protein synthesis at codon 5 of the frame shift, or 1232 BRCA2:p.(Leu1227GlnfsTer5) using NP_000050.2. BRCA2 variants of this type are widely accepted to be pathogenic (Tayoun et al 2018, PMID: 30192042). This variant has been reviewed by the ENIGMA expert review panel: ENIGMA determine BRCA2:c.3680_3681delTG as consistent with an IARC Class 5 variant equivalent to ACMG classification of Pathogenic. This variant has been reported in the scientific literature in individuals with breast cancer (Wen et al., 2018 PMID:28993434), invasive lobular breast cancer (Petridis et al., 2019 PMID:31263054), and ovarian cancer (Cotrim et al., 2019 PMID:30606148). BRCA2: c.3680_3681delTG (rs80359395) is rare in population databases (gnomAD=0.01%) and is not on record in FLOSSIES. This variant is on record in ClinVar reported by multiple clinical laboratories as pathogenic in association with Breast-ovarian cancer, familial 2, Hereditary cancer-predisposing syndrome, and Hereditary breast and ovarian cancer syndrome (Variation ID:51504). This variant is listed in HGMD as ‘disease causing mutation’ in association with Ovarian cancer (Accession: CD011120).

Women's Health and Genetics/Laboratory Corporation of America, LabCorp
Classification: Pathogenic for Hereditary breast and ovarian cancer syndrome. Last evaluated: 2020-11-05. Review status: criteria provided, single submitter. Criteria: LabCorp Variant Classification Summary - May 2015. Collection method: clinical testing. Allele origin: germline. Not counted in ClinVar's aggregate classification.
Comment: Variant summary: BRCA2 c.3680_3681delTG (p.Leu1227GlnfsX5) results in a premature termination codon, predicted to cause a truncation of the encoded protein or absence of the protein due to nonsense mediated decay, which are commonly known mechanisms for disease. Truncations downstream of this position have been classified as pathogenic by our laboratory. The variant was absent in 249486 control chromosomes (gnomAD). c.3680_3681delTG has been reported in the literature in multiple individuals affected with Hereditary Breast And Ovarian Cancer Syndrome (e.g. Peto_1999, Risch_2001, Miramar_2008, Lecarpentier_2012, Pal_2014). These data indicate that the variant is very likely to be associated with disease. Ten ClinVar submitters including an expert panel (ENIGMA) (evaluation after 2014) cite the variant as pathogenic. Based on the evidence outlined above, the variant was classified as pathogenic.

Laboratory for Molecular Medicine, Mass General Brigham Personalized Medicine
Classification: Pathogenic for Hereditary breast ovarian cancer syndrome. Last evaluated: 2019-04-24. Review status: criteria provided, single submitter. Criteria: LMM Criteria. Collection method: clinical testing. Allele origin: germline. Inheritance: Autosomal dominant inheritance. Observed: 1 variant allele. Not counted in ClinVar's aggregate classification.
Comment: The p.Leu1227GlnfsX5 variant in BRCA2 has been reported in at least 8 individuals with BRCA2-associated cancers (Peto 1999, Risch 2001, Pal 2014, Breast Cancer Information Core (BIC) database). It has also been identified in 1/8710 African chromosomes by gnomAD; however, this frequency is low enough to be consistent with the frequency of hereditary breast and ovarian cancer (HBOC) in the general population. This variant is predicted to cause a frameshift, which alters the proteinâ€™s amino acid sequence beginning at position 1227 and leads to a premature termination codon 5 amino acids downstream. This alteration is then predicted to lead to a truncated or absent protein. Heterozygous loss of function of the BRCA2 gene is an established disease mechanism in hereditary breast and ovarian cancer (HBOC). In addition, this variant was classified as Pathogenic on April 22, 2016 by the ClinGen-approved ENIGMA expert panel (ClinVar SCV000282380.1). In summary, this variant meets our criteria to be classified as pathogenic for HBOC in an autosomal dominant manner based upon the predicted impact to the protein. ACMG/AMP criteria applied: PVS1, PS4_Moderate, PM2.

Genologica Medica
Classification: Pathogenic for Breast-ovarian cancer, familial, susceptibility to, 2. Last evaluated: 2017-01-01. Review status: criteria provided, single submitter. Criteria: ACMG Guidelines, 2015. Collection method: clinical testing. Allele origin: germline. Affected: yes. Not counted in ClinVar's aggregate classification.

Consortium of Investigators of Modifiers of BRCA1/2 (CIMBA), c/o University of Cambridge
Classification: Pathogenic for Breast-ovarian cancer, familial, susceptibility to, 2. Last evaluated: 2015-10-02. Review status: criteria provided, single submitter. Criteria: CIMBA Mutation Classification guidelines May 2016. Collection method: clinical testing. Allele origin: germline. Not counted in ClinVar's aggregate classification.

Juno Genomics, Hangzhou Juno Genomics, Inc
Classification: Pathogenic for Wilms tumor 1; Familial cancer of breast; Breast-ovarian cancer, familial, susceptibility to, 2; Glioma susceptibility 3; Medulloblastoma; Pancreatic cancer, susceptibility to, 2; Familial prostate cancer; Fanconi anemia complementation group D1. Review status: criteria provided, single submitter. Criteria: ACMG Guidelines, 2015. Collection method: clinical testing. Allele origin: germline. Not counted in ClinVar's aggregate classification.
Comment: Absent from controls (or at extremely low frequency if recessive) in Genome Aggregation Database.;Null variant in a gene where loss of function (LOF) is a known mechanism of disease.;Novel missense change at an amino acid residue where a different missense change determined to be pathogenic has been seen before.